The following is an entry in ClinVar:

ClinVar aggregate classification (germline): Uncertain significance. Review status: criteria provided, multiple submitters, no conflicts (2 of 4 stars). 2 submissions from 2 submitters: Uncertain significance (2). Last evaluated 2022-10-27.

Conditions:
Inborn genetic diseases. Identifiers: MedGen C0950123, MeSH D030342.

Allele frequency attached by ClinVar (database versions not stated): TOPMed 0.00003; gnomAD 0.00004; ExAC 0.00006; gnomAD exomes 0.00007; ESP Exome Variant Server 0.00016.
gnomAD v4.1: 107 of 1,613,474 alleles (0.0066%); highest among the groups gnomAD compares: Non-Finnish European, 0.0088%; no homozygotes.

Submissions (2):

GeneDx
Classification: Uncertain significance. Last evaluated: 2022-10-27. Review status: criteria provided, single submitter. Criteria: GeneDx Variant Classification Process June 2021. Collection method: clinical testing. Allele origin: germline. Affected: yes.
Comment: Not observed at significant frequency in large population cohorts (gnomAD); In silico analysis supports that this missense variant does not alter protein structure/function; Has not been previously published as pathogenic or benign to our knowledge

Ambry Genetics
Classification: Uncertain significance for Inborn genetic diseases. Last evaluated: 2021-04-13. Review status: criteria provided, single submitter. Criteria: Ambry Variant Classification Scheme 2023. Collection method: clinical testing. Allele origin: germline.

NM_005787.6(ALG3):c.329G>T (p.Gly110Val)

Gene: ALG3 (ALG3 alpha-1,3- mannosyltransferase; minus strand). Cytogenetic location: 3q27.1.
Variant type: single nucleotide variant.
Coding change: c.329G>T on transcript NM_005787.6 (MANE Select); coding-DNA position 329, G replaced by T.
Protein change: p.Gly110Val; replaces glycine 110 with valine.
Molecular consequence: missense variant. On other transcripts: non-coding transcript variant (2).
Genome position (GRCh38, 1-based): chr3:184,245,583, C>A on the plus strand (G>T on the coding strand, the complement: ALG3 is on the minus strand). VCF-style: chr3-184245583-C-A. GRCh37 (hg19) VCF-style: chr3-183963371-C-A.
Other names: c.185G>T, p.Gly62Val (NM_001006941.2); c.224G>T, p.Gly75Val (NM_001006942.1); short protein forms G110V, G62V, G75V.
Identifiers: ClinVar variation 2245887 (VCV002245887.3), dbSNP rs376100127, ClinGen allele CA2729572.